The following is an entry in ClinVar:

ClinVar aggregate classification (germline): Uncertain significance (1 of 4 stars; one submission).

Conditions:
LAMA2-related muscular dystrophy (LAMA2-RD). Also called: Laminin alpha 2-related dystrophy. Identifiers: MedGen C5679788, MONDO:0100228.

Allele frequency attached by ClinVar (database versions not stated): ExAC 0.00002.
gnomAD v4.1: 3 of 1,614,038 alleles (0.00019%); highest among the groups gnomAD compares: Admixed American, 0.0033%; no homozygotes.

Submission:

Labcorp Genetics (formerly Invitae), Labcorp
Classification: Uncertain significance for LAMA2-related muscular dystrophy. Last evaluated: 2024-01-08. Review status: criteria provided, single submitter. Criteria: Invitae Variant Classification Sherloc (09022015). Collection method: clinical testing. Allele origin: germline.
Comment: This sequence change replaces asparagine, which is neutral and polar, with serine, which is neutral and polar, at codon 2045 of the LAMA2 protein (p.Asn2045Ser). This variant is present in population databases (rs753070891, gnomAD 0.006%). This variant has not been reported in the literature in individuals affected with LAMA2-related conditions. ClinVar contains an entry for this variant (Variation ID: 2162982). Advanced modeling of protein sequence and biophysical properties (such as structural, functional, and spatial information, amino acid conservation, physicochemical variation, residue mobility, and thermodynamic stability) performed at Invitae indicates that this missense variant is not expected to disrupt LAMA2 protein function with a negative predictive value of 95%. In summary, the available evidence is currently insufficient to determine the role of this variant in disease. Therefore, it has been classified as a Variant of Uncertain Significance.

NM_000426.4(LAMA2):c.6134A>G (p.Asn2045Ser)

Genes: LAMA2 (laminin subunit alpha 2; plus strand), LOC123864065 (Sharpr-MPRA regulatory region 661; plus strand). Cytogenetic location: 6q22.33.
Variant type: single nucleotide variant.
Coding change: c.6134A>G on transcript NM_000426.4 (MANE Select); coding-DNA position 6134, A replaced by G.
Protein change: p.Asn2045Ser; replaces asparagine 2045 with serine.
Molecular consequence: missense variant.
Genome position (GRCh38, 1-based): chr6:129,440,864, A>G. VCF-style: chr6-129440864-A-G. GRCh37 (hg19) VCF-style: chr6-129762009-A-G.
Other names: c.6134A>G, p.Asn2045Ser (NM_001079823.2); short protein forms N2045S.
Identifiers: ClinVar variation 2162982 (VCV002162982.3), dbSNP rs753070891, ClinGen allele CA3994116.